The following is an entry in ClinVar:

ClinVar aggregate classification (germline): Likely benign. Review status: criteria provided, multiple submitters, no conflicts (2 of 4 stars). 3 submissions from 3 submitters: Likely benign (2). 1 of the submissions does not count toward it. Last evaluated 2025-06-12.

Conditions:
SLC2A9-related disorder. Also called: SLC2A9-related condition.

Allele frequency attached by ClinVar (database versions not stated): gnomAD exomes 0.00002; ExAC 0.00007; TOPMed 0.00016; gnomAD 0.00021; ESP Exome Variant Server 0.00046.
gnomAD v4.1: 54 of 1,614,082 alleles (0.0033%); highest among the groups gnomAD compares: African/African-American, 0.067%; no homozygotes.

Submissions (3):

Labcorp Genetics (formerly Invitae), Labcorp
Classification: Likely benign. Last evaluated: 2025-06-12. Review status: criteria provided, single submitter. Criteria: Invitae Variant Classification Sherloc (09022015). Collection method: clinical testing. Allele origin: germline.

Blueprint Genetics
Classification: Likely benign. Last evaluated: 2024-10-16. Review status: criteria provided, single submitter. Criteria: ACMG Guidelines, 2015. Collection method: clinical testing. Allele origin: germline.

PreventionGenetics, part of Exact Sciences
Classification: Likely benign for SLC2A9-related condition. Last evaluated: 2019-05-15. Review status: no assertion criteria provided. Collection method: clinical testing. Allele origin: germline. Not counted in ClinVar's aggregate classification.
Comment: This variant is classified as likely benign based on ACMG/AMP sequence variant interpretation guidelines (Richards et al. 2015 PMID: 25741868, with internal and published modifications).

NM_020041.3(SLC2A9):c.546C>T (p.Leu182=)

Gene: SLC2A9 (solute carrier family 2 member 9; minus strand). Cytogenetic location: 4p16.1.
Variant type: single nucleotide variant.
Coding change: c.546C>T on transcript NM_020041.3 (MANE Select); coding-DNA position 546, C replaced by T.
Protein change: p.Leu182=; no amino-acid change (leucine 182 retained).
Molecular consequence: synonymous variant.
Genome position (GRCh38, 1-based): chr4:9,980,727, G>A on the plus strand (C>T on the coding strand, the complement: SLC2A9 is on the minus strand). VCF-style: chr4-9980727-G-A. GRCh37 (hg19) VCF-style: chr4-9982351-G-A.
Other names: c.459C>T, p.Leu153= (NM_001001290.2); c.546C>T (NM_020041.2).
Identifiers: ClinVar variation 1901385 (VCV001901385.8), dbSNP rs139274939, ClinGen allele CA2857179.